The following is an entry in ClinVar:

NC_000017.11:g.(?_43104102)_(43115799_?)del

Gene: BRCA1 (BRCA1 DNA repair associated; minus strand). Cytogenetic location: 17q21.31.
Variant type: Deletion.
Identifiers: ClinVar variation 659613 (VCV000659613.3).

ClinVar aggregate classification (germline): Pathogenic (1 of 4 stars; one submission).

Conditions:
Hereditary breast ovarian cancer syndrome. Also called: BRCA1- and BRCA2-Associated Hereditary Breast and Ovarian Cancer; Hereditary breast and ovarian cancer syndrome; Hereditary breast and ovarian cancer syndrome (HBOC); Hereditary breast and/or ovarian cancer syndrome; Breast and ovarian cancer; Hereditary breast and ovarian cancer. Identifiers: Orphanet 145, MedGen C0677776, MeSH D061325, MONDO:0003582. Disease mechanism: loss of function.

Submission:

Labcorp Genetics (formerly Invitae), Labcorp
Classification: Pathogenic for Hereditary breast ovarian cancer syndrome. Last evaluated: 2022-10-09. Review status: criteria provided, single submitter. Criteria: Invitae Variant Classification Sherloc (09022015). Collection method: clinical testing. Allele origin: germline.
Comment: This variant is a gross deletion of the genomic region encompassing exon(s) 3-6 of the BRCA1 gene. This deletion is out-of-frame, and is expected to create a premature termination codon and result in an absent or disrupted protein product. Loss-of-function variants in BRCA1 are known to be pathogenic (PMID: 20104584). This variant has not been reported in the literature in individuals affected with BRCA1-related conditions. For these reasons, this variant has been classified as Pathogenic.

Literature cited by the submitters: PubMed 20104584.